The following is an entry in ClinVar:

NM_016507.4(CDK12):c.3811G>A (p.Gly1271Arg)

Gene: CDK12 (cyclin dependent kinase 12; plus strand). Cytogenetic location: 17q12.
Variant type: single nucleotide variant.
Coding change: c.3811G>A on transcript NM_016507.4 (MANE Select); coding-DNA position 3811, G replaced by A.
Protein change: p.Gly1271Arg; replaces glycine 1271 with arginine.
Molecular consequence: missense variant.
Genome position (GRCh38, 1-based): chr17:39,530,654, G>A. VCF-style: chr17-39530654-G-A. GRCh37 (hg19) VCF-style: chr17-37686907-G-A.
Other names: c.3784G>A, p.Gly1262Arg (NM_015083.4); short protein forms G1271R, G1262R.
Identifiers: ClinVar variation 3830589 (VCV003830589.1).

ClinVar aggregate classification (germline): Uncertain significance (1 of 4 stars; one submission).

gnomAD v4.1: 1 of 1,591,412 alleles (0.000063%); highest among the groups gnomAD compares: Non-Finnish European, 0.000086%; no homozygotes.

Submission:

Ambry Genetics
Classification: Uncertain significance. Last evaluated: 2025-02-01. Review status: criteria provided, single submitter. Criteria: Ambry Variant Classification Scheme 2023. Collection method: clinical testing. Allele origin: germline.
Comment: The p.G1271R variant (also known as c.3811G>A), located in coding exon 14 of the CDK12 gene, results from a G to A substitution at nucleotide position 3811. The glycine at codon 1271 is replaced by arginine, an amino acid with dissimilar properties. This amino acid position is conserved. In addition, this alteration is predicted to be tolerated by in silico analysis. Based on the available evidence, the clinical significance of this variant remains unclear.